The following is an entry in ClinVar:

NM_001267550.2(TTN):c.95063T>A (p.Leu31688Ter)

Genes: TTN (titin; minus strand), TTN-AS1 (TTN antisense RNA 1; plus strand). Cytogenetic location: 2q31.2.
Variant type: single nucleotide variant.
Coding change: c.95063T>A on transcript NM_001267550.2 (MANE Select); coding-DNA position 95063, T replaced by A.
Protein change: p.Leu31688Ter; replaces leucine 31688 with a stop codon.
Molecular consequence: nonsense.
Genome position (GRCh38, 1-based): chr2:178,546,268, A>T on the plus strand (T>A on the coding strand, the complement: TTN is on the minus strand). VCF-style: chr2-178546268-A-T. GRCh37 (hg19) VCF-style: chr2-179410995-A-T.
Other names: c.90140T>A, p.Leu30047Ter (NM_001256850.1); c.67868T>A, p.Leu22623Ter (NM_003319.4); c.87359T>A, p.Leu29120Ter (NM_133378.4); c.68243T>A, p.Leu22748Ter (NM_133432.3); c.68444T>A, p.Leu22815Ter (NM_133437.4); short protein forms L31688*, L22623*, L30047*, L22815*, L29120*, L22748*.
Identifiers: ClinVar variation 640722 (VCV000640722.9), dbSNP rs794729538, ClinGen allele CA349466950.

ClinVar aggregate classification (germline): Likely pathogenic (1 of 4 stars; one submission).

Conditions:
Autosomal recessive limb-girdle muscular dystrophy type 2J (LGMDR10). Also called: Limb-girdle muscular dystrophy, type 2J; MUSCULAR DYSTROPHY, LIMB-GIRDLE, AUTOSOMAL RECESSIVE 10. Identifiers: Orphanet 140922, MedGen C1837342, MONDO:0012127, OMIM 608807.
Dilated cardiomyopathy 1G (CMD1G). Identifiers: Orphanet 154, MedGen C1858763, MONDO:0011400, OMIM 604145.

Submission:

Labcorp Genetics (formerly Invitae), Labcorp
Classification: Likely pathogenic for Dilated cardiomyopathy 1G; Autosomal recessive limb-girdle muscular dystrophy type 2J. Last evaluated: 2025-02-12. Review status: criteria provided, single submitter. Criteria: Invitae Variant Classification Sherloc (09022015). Collection method: clinical testing. Allele origin: germline.
Comment: This sequence change creates a premature translational stop signal (p.Leu31688*) in the TTN gene. While this is not anticipated to result in nonsense mediated decay, it is expected to create a truncated TTN protein. This variant is not present in population databases (gnomAD no frequency). This premature translational stop signal has been observed in individual(s) with dilated cardiomyopathy (internal data). ClinVar contains an entry for this variant (Variation ID: 640722). This variant is located in the A band of TTN (PMID: 25589632). Truncating variants in this region are significantly overrepresented in patients affected with dilated cardiomyopathy (PMID: 25589632). Truncating variants in this region have also been reported in individuals affected with autosomal recessive centronuclear myopathy (PMID: 23975875). In summary, the currently available evidence indicates that the variant is pathogenic, but additional data are needed to prove that conclusively. Therefore, this variant has been classified as Likely Pathogenic.

Literature cited by the submitters: PubMed 25589632; PubMed 23975875.